The following is an entry in ClinVar:

ClinVar aggregate classification (germline): Uncertain significance (1 of 4 stars; one submission).

Allele frequency attached by ClinVar (database versions not stated): gnomAD exomes below 0.00001; TOPMed below 0.00001.
gnomAD v4.1: 5 of 1,613,962 alleles (0.00031%); highest among the groups gnomAD compares: Non-Finnish European, 0.00042%; no homozygotes.

Submission:

GeneDx
Classification: Uncertain significance. Last evaluated: 2022-01-25. Review status: criteria provided, single submitter. Criteria: GeneDx Variant Classification Process June 2021. Collection method: clinical testing. Allele origin: germline. Affected: yes.
Comment: Not observed at significant frequency in large population cohorts (gnomAD); In silico analysis supports that this missense variant has a deleterious effect on protein structure/function; In silico analysis, which includes splice predictors and evolutionary conservation, suggests this variant may impact gene splicing. In the absence of RNA/functional studies, the actual effect of this sequence change is unknown.; Has not been previously published as pathogenic or benign to our knowledge

NM_003482.4(KMT2D):c.14446G>C (p.Glu4816Gln)

Gene: KMT2D (lysine methyltransferase 2D; minus strand). Cytogenetic location: 12q13.12.
Variant type: single nucleotide variant.
Coding change: c.14446G>C on transcript NM_003482.4 (MANE Select); coding-DNA position 14446, G replaced by C.
Protein change: p.Glu4816Gln; replaces glutamic acid 4816 with glutamine.
Molecular consequence: missense variant.
Genome position (GRCh38, 1-based): chr12:49,028,078, C>G on the plus strand (G>C on the coding strand, the complement: KMT2D is on the minus strand). VCF-style: chr12-49028078-C-G. GRCh37 (hg19) VCF-style: chr12-49421861-C-G.
Other names: short protein forms E4816Q.
Identifiers: ClinVar variation 1698282 (VCV001698282.2), dbSNP rs1942699535, ClinGen allele CA384695199.